The following is an entry in ClinVar:

ClinVar aggregate classification (germline): Benign/Likely benign. Review status: criteria provided, multiple submitters, no conflicts (2 of 4 stars). 5 submissions from 5 submitters: Benign (1); Likely benign (3). 1 of the submissions does not count toward it. Last evaluated 2026-02-03.

Conditions:
Inborn genetic diseases. Identifiers: MedGen C0950123, MeSH D030342.
Spastic paraplegia. Identifiers: MedGen C0037772, HP:0001258.

Allele frequency attached by ClinVar (database versions not stated): gnomAD exomes 0.00005 and 0.00014; ExAC 0.00014; gnomAD 0.00048 and 0.00052; ESP Exome Variant Server 0.00057; TOPMed 0.00066.
gnomAD v4.1: 108 of 1,203,148 alleles (0.009%); highest among the groups gnomAD compares: African/African-American, 0.18%; no homozygotes.

Submissions (5):

Labcorp Genetics (formerly Invitae), Labcorp
Classification: Likely benign for Spastic paraplegia. Last evaluated: 2026-02-03. Review status: criteria provided, single submitter. Criteria: Invitae Variant Classification Sherloc (09022015). Collection method: clinical testing. Allele origin: germline.

Blueprint Genetics
Classification: Likely benign. Last evaluated: 2020-11-06. Review status: criteria provided, single submitter. Criteria: ACMG Guidelines, 2015. Collection method: clinical testing. Allele origin: germline.

GeneDx
Classification: Benign. Last evaluated: 2020-10-26. Review status: criteria provided, single submitter. Criteria: GeneDx Variant Classification Process June 2021. Collection method: clinical testing. Allele origin: germline. Affected: yes.

Ambry Genetics
Classification: Likely benign for Inborn genetic diseases. Last evaluated: 2019-10-02. Review status: criteria provided, single submitter. Criteria: Ambry Variant Classification Scheme 2023. Collection method: clinical testing. Allele origin: germline.

ITMI
No classification provided. Condition: AllHighlyPenetrant. Last evaluated: 2013-09-19. Review status: no classification provided. Collection method: reference population. Allele origin: germline. Not counted in ClinVar's aggregate classification.
Comment: Please see associated publication for description of ethnicities

Literature cited by the submitters: PubMed 24728327 (cited by ITMI).

NM_004187.5(KDM5C):c.4597A>C (p.Thr1533Pro)

Gene: KDM5C (lysine demethylase 5C; minus strand). Cytogenetic location: Xp11.22.
Variant type: single nucleotide variant.
Coding change: c.4597A>C on transcript NM_004187.5 (MANE Select); coding-DNA position 4597, A replaced by C.
Protein change: p.Thr1533Pro; replaces threonine 1533 with proline.
Molecular consequence: missense variant. On other transcripts: intron variant (5).
Genome position (GRCh38, 1-based): chrX:53,193,053, T>G on the plus strand (A>C on the coding strand, the complement: KDM5C is on the minus strand). VCF-style: chrX-53193053-T-G. GRCh37 (hg19) VCF-style: chrX-53222235-T-G.
Other names: c.4594A>C, p.Thr1532Pro (NM_001282622.3); c.4588A>C, p.Thr1530Pro (NM_001353978.3); c.4305+384A>C (NM_001353982.2); c.4314+384A>C (NM_001353979.2); c.4308+384A>C (NM_001353981.2, NM_001353984.2); c.4047-216A>C (NM_001146702.2); short protein forms T1533P, T1532P, T1530P.
Identifiers: ClinVar variation 134592 (VCV000134592.14), dbSNP rs145666414, ClinGen allele CA160280.
Genomic context (GRCh38, chrX:53,193,053, plus strand): 5'-GTGGGCAGGGCAGATGCAGCCGGGGAGTCAGAGTGGAGAAAGGGGCCGAGGGGCCTGAAG[T>G]GGTCCCTTCCGCCGGTTCCAAGCCATTCTGGTTCTCCTGGGTGCTGGGGCTGCCAGTGGT-3'
Protein context (NP_004178.2, residues 1523-1543): QNGLEPAEGT[Thr1533Pro]SGPSAPFSTL